The following is an entry in ClinVar:

ClinVar aggregate classification (germline): Benign/Likely benign. Review status: criteria provided, multiple submitters, no conflicts (2 of 4 stars). 3 submissions from 3 submitters: Benign (1); Likely benign (2). Last evaluated 2026-05-24.

Conditions:
Hereditary cancer-predisposing syndrome. Also called: Tumor predisposition; Neoplastic Syndromes, Hereditary; Hereditary Cancer Syndrome; Hereditary neoplastic syndrome. Identifiers: Orphanet 140162, MedGen C0027672, MeSH D009386, MONDO:0015356.
Peutz-Jeghers syndrome (PJS). Also called: POLYPOSIS, HAMARTOMATOUS INTESTINAL; POLYPS-AND-SPOTS SYNDROME; Peutz-Jeghers polyposis; Periorificial lentiginosis syndrome. Identifiers: Orphanet 2869, MedGen C0031269, MeSH D010580, MONDO:0008280, OMIM 175200.

Allele frequency attached by ClinVar (database versions not stated): gnomAD exomes below 0.00001.
gnomAD v4.1: 2 of 1,552,100 alleles (0.00013%); highest among the groups gnomAD compares: Non-Finnish European, 0.00017%; no homozygotes.

Submissions (3):

Ambry Genetics
Classification: Likely benign for Hereditary cancer-predisposing syndrome. Last evaluated: 2026-05-24. Review status: criteria provided, single submitter. Criteria: Ambry Variant Classification Scheme 2023. Collection method: clinical testing. Allele origin: germline.

Myriad Genetics, Inc.
Classification: Benign for Peutz-Jeghers syndrome. Last evaluated: 2025-03-31. Review status: criteria provided, single submitter. Criteria: Myriad Autosomal Dominant, Autosomal Recessive and X-Linked Classification Criteria (2023). Collection method: clinical testing. Allele origin: unknown.
Comment: This variant is considered benign. This variant is a silent/synonymous amino acid change and it is not expected to impact splicing.

Labcorp Genetics (formerly Invitae), Labcorp
Classification: Likely benign for Peutz-Jeghers syndrome. Last evaluated: 2025-01-28. Review status: criteria provided, single submitter. Criteria: Invitae Variant Classification Sherloc (09022015). Collection method: clinical testing. Allele origin: germline.

NM_000455.5(STK11):c.1272C>A (p.Ile424=)

Gene: STK11 (serine/threonine kinase 11; plus strand). Cytogenetic location: 19p13.3.
Variant type: single nucleotide variant.
Coding change: c.1272C>A on transcript NM_000455.5 (MANE Select); coding-DNA position 1272, C replaced by A.
Protein change: p.Ile424=; no amino-acid change (isoleucine 424 retained).
Molecular consequence: synonymous variant.
Genome position (GRCh38, 1-based): chr19:1,226,617, C>A. VCF-style: chr19-1226617-C-A. GRCh37 (hg19) VCF-style: chr19-1226616-C-A.
Other names: c.1272C>A (NM_000455.4).
Identifiers: ClinVar variation 1541473 (VCV001541473.10), dbSNP rs2145436544, ClinGen allele CA504708549.